The following is an entry in ClinVar:

ClinVar aggregate classification (germline): Uncertain significance (1 of 4 stars; one submission).

gnomAD v4.1: 3 of 1,251,500 alleles (0.00024%); highest among the groups gnomAD compares: African/African-American, 0.0047%; no homozygotes.

Submission:

Ambry Genetics
Classification: Uncertain significance. Last evaluated: 2025-01-20. Review status: criteria provided, single submitter. Criteria: Ambry Variant Classification Scheme 2023. Collection method: clinical testing. Allele origin: germline.
Comment: The p.R30L variant (also known as c.89G>T), located in coding exon 1 of the WNK2 gene, results from a G to T substitution at nucleotide position 89. The arginine at codon 30 is replaced by leucine, an amino acid with dissimilar properties. This amino acid position is conserved. In addition, this alteration is predicted to be tolerated by in silico analysis. Based on the available evidence, the clinical significance of this variant remains unclear.

NM_006648.4(WNK2):c.89G>T (p.Arg30Leu)

Gene: WNK2 (WNK lysine deficient protein kinase 2; plus strand). Cytogenetic location: 9q22.31.
Variant type: single nucleotide variant.
Coding change: c.89G>T on transcript NM_006648.4 (MANE Select); coding-DNA position 89, G replaced by T.
Protein change: p.Arg30Leu; replaces arginine 30 with leucine.
Molecular consequence: missense variant.
Genome position (GRCh38, 1-based): chr9:93,185,018, G>T. VCF-style: chr9-93185018-G-T. GRCh37 (hg19) VCF-style: chr9-95947300-G-T.
Other names: c.89G>T, p.Arg30Leu (NM_001282394.3); short protein forms R30L.
Identifiers: ClinVar variation 3816891 (VCV003816891.1).
Genomic context (GRCh38, chr9:93,185,018, plus strand): 5'-TCCCCGGCACGCTGATGGAGCCCGGGCGCGGCGCGGGGCCCGCGGGCATGGCGGAGCCTC[G>T]GGCGAAGGCGGCGCGGCCGGGGCCCCAGCGCTTTCTGCGGCGCAGCGTGGTAGAGTCGGA-3'
Protein context (NP_006639.3, residues 20-40): GAGPAGMAEP[Arg30Leu]AKAARPGPQR